The following is an entry in ClinVar:

NM_000270.3(PNP):c.*1391T>C

Gene: PNP (purine nucleoside phosphorylase; plus strand). Cytogenetic location: 14q11.2.
Variant type: single nucleotide variant.
Coding change: c.*1391T>C on transcript NM_000270.3; 1391 bases downstream of the stop codon, T replaced by C.
Genome position (GRCh38, 1-based): chr14:20,477,992, T>C. VCF-style: chr14-20477992-T-C. GRCh37 (hg19) VCF-style: chr14-20946151-T-C.
Identifiers: ClinVar variation 312758 (VCV000312758.7), dbSNP rs1079375, ClinGen allele CA10639898.

ClinVar aggregate classification (germline): Benign (1 of 4 stars; one submission).

Conditions:
Purine-nucleoside phosphorylase deficiency. Also called: Immunodeficiency due to purine nucleoside phosphorylase deficiency; NUCLEOSIDE PHOSPHORYLASE DEFICIENCY. Identifiers: Orphanet 760, MedGen C0268125, MONDO:0013171, OMIM 613179.

Allele frequency attached by ClinVar (database versions not stated): TOPMed 0.28415; 1000 Genomes Project 0.32228; gnomAD 0.28644; 1000 Genomes Project 30x 0.31433.

Submission:

Illumina Laboratory Services, Illumina
Classification: Benign for Purine-nucleoside phosphorylase deficiency. Last evaluated: 2018-01-13. Review status: criteria provided, single submitter. Criteria: ICSL Variant Classification Criteria 13 December 2019. Collection method: clinical testing. Allele origin: germline.
Comment: This variant was observed in the ICSL laboratory as part of a predisposition screen in an ostensibly healthy population. It had not been previously curated by ICSL or reported in the Human Gene Mutation Database (HGMD: prior to June 1st, 2018), and was therefore a candidate for classification through an automated scoring system. Utilizing variant allele frequency, disease prevalence and penetrance estimates, and inheritance mode, an automated score was calculated to assess if this variant is too frequent to cause the disease. Based on the score and internal cut-off values, a variant classified as benign is not then subjected to further curation. The score for this variant resulted in a classification of benign for this disease.